The following is an entry in ClinVar:

NM_032620.4(GTPBP3):c.411G>A (p.Pro137=)

Gene: GTPBP3 (GTP binding protein 3, mitochondrial; plus strand). Cytogenetic location: 19p13.11.
Variant type: single nucleotide variant.
Coding change: c.411G>A on transcript NM_032620.4 (MANE Select); coding-DNA position 411, G replaced by A.
Protein change: p.Pro137=; no amino-acid change (proline 137 retained).
Molecular consequence: synonymous variant.
Genome position (GRCh38, 1-based): chr19:17,338,561, G>A. VCF-style: chr19-17338561-G-A. GRCh37 (hg19) VCF-style: chr19-17449370-G-A.
Other names: c.411G>A, p.Pro137= (NM_001128855.3, NM_133644.4); c.477G>A, p.Pro159= (NM_001195422.1).
Identifiers: ClinVar variation 5000928 (VCV005000928.1).

ClinVar aggregate classification (germline): Likely benign (1 of 4 stars; one submission).

Conditions:
GTPBP3-related disorder. Also called: GTPBP3-related condition.

gnomAD v4.1: 1 of 1,613,856 alleles (0.000062%); highest among the groups gnomAD compares: Non-Finnish European, 0.000085%; no homozygotes.

Submission:

PreventionGenetics, part of Exact Sciences
Classification: Likely benign for GTPBP3-related condition. Last evaluated: 2025-04-24. Review status: criteria provided, single submitter. Criteria: ACMG Guidelines, 2015. Collection method: clinical testing. Allele origin: germline.
Comment: This variant is classified as likely benign based on ACMG/AMP sequence variant interpretation guidelines (Richards et al. 2015 PMID: 25741868, with internal and published modifications).